The following is an entry in ClinVar:

ClinVar aggregate classification (germline): Uncertain significance (1 of 4 stars; one submission).

Submission:

GeneDx
Classification: Uncertain significance. Last evaluated: 2022-04-05. Review status: criteria provided, single submitter. Criteria: GeneDx Variant Classification Process June 2021. Collection method: clinical testing. Allele origin: germline. Affected: yes.
Comment: Not observed at significant frequency in large population cohorts (gnomAD); In silico analysis supports that this missense variant has a deleterious effect on protein structure/function; Has not been previously published as pathogenic or benign to our knowledge

NM_001303256.3(MORC2):c.119C>T (p.Ala40Val)

Gene: MORC2 (MORC family CW-type zinc finger 2; minus strand). Cytogenetic location: 22q12.2.
Variant type: single nucleotide variant.
Coding change: c.119C>T on transcript NM_001303256.3 (MANE Select); coding-DNA position 119, C replaced by T.
Protein change: p.Ala40Val; replaces alanine 40 with valine.
Molecular consequence: missense variant. On other transcripts: 5 prime UTR variant (1).
Genome position (GRCh38, 1-based): chr22:30,958,644, G>A on the plus strand (C>T on the coding strand, the complement: MORC2 is on the minus strand). VCF-style: chr22-30958644-G-A. GRCh37 (hg19) VCF-style: chr22-31354630-G-A.
Other names: c.119C>T, p.Ala40Val (NM_001303257.2); c.-68C>T (NM_014941.3); short protein forms A40V.
Identifiers: ClinVar variation 1710818 (VCV001710818.2), dbSNP rs2517643332, ClinGen allele CA411534598.